The following is an entry in ClinVar:

NM_000079.4(CHRNA1):c.779-1G>T

Gene: CHRNA1 (cholinergic receptor nicotinic alpha 1 subunit; minus strand). Cytogenetic location: 2q31.1.
Variant type: single nucleotide variant.
Coding change: c.779-1G>T on transcript NM_000079.4 (MANE Select); the canonical splice acceptor site of the intron before coding-DNA position 779, G replaced by T.
Molecular consequence: splice acceptor variant.
Genome position (GRCh38, 1-based): chr2:174,750,170, C>A on the plus strand (G>T on the coding strand, the complement: CHRNA1 is on the minus strand). VCF-style: chr2-174750170-C-A. GRCh37 (hg19) VCF-style: chr2-175614898-C-A.
Other names: c.854-1G>T (NM_001039523.3).
Identifiers: ClinVar variation 5019064 (VCV005019064.2).
Genomic context (GRCh38, chr2:174,750,170, plus strand): 5'-TGACCAGAAGGAACACAGTCAAAGACAGTAAGACAGAGATGCTCAGAGTCATCTTCTCCC[C>A]TGAAAAGACCAAAAAAAAAAAAAAAAATCCCACAACTACCCATCTGGGTTGGGCTGCAGT-3'

ClinVar aggregate classification (germline): Likely pathogenic (1 of 4 stars; one submission).

Conditions:
Lethal multiple pterygium syndrome (LMPS). Identifiers: Orphanet 33108, MedGen C1854678, MONDO:0009668, OMIM 253290.
Myasthenic syndrome, congenital, 1B, fast-channel. Also called: Fast-Channel Congenital Myasthenia Syndrome. Identifiers: Orphanet 590, MedGen C4225405, MONDO:0012156, OMIM 608930.
Myasthenic syndrome, congenital, 1A, slow-channel. Also called: Congenital myasthenic syndrome 1A; CMS IIa; MYASTHENIC SYNDROME, CONGENITAL, TYPE IIa. Identifiers: MedGen C2931107, MONDO:0011088, OMIM 601462.

gnomAD v4.1: 9 of 1,557,774 alleles (0.00058%); highest among the groups gnomAD compares: East Asian, 0.021%; no homozygotes.

Submission:

Juno Genomics, Hangzhou Juno Genomics, Inc
Classification: Likely pathogenic for Lethal multiple pterygium syndrome; Myasthenic syndrome, congenital, 1A, slow-channel; Myasthenic syndrome, congenital, 1B, fast-channel. Review status: criteria provided, single submitter. Criteria: ACMG Guidelines, 2015. Collection method: clinical testing. Allele origin: germline.
Comment: Absent from controls (or at extremely low frequency if recessive) in Genome Aggregation Database.;Null variant in a gene where loss of function (LOF) is a known mechanism of disease.